The following is an entry in ClinVar:

NM_001611.5(ACP5):c.5A>C (p.Asp2Ala)

Gene: ACP5 (acid phosphatase 5, tartrate resistant; minus strand). Cytogenetic location: 19p13.2.
Variant type: single nucleotide variant.
Coding change: c.5A>C on transcript NM_001611.5 (MANE Select); coding-DNA position 5, A replaced by C.
Protein change: p.Asp2Ala; replaces aspartic acid 2 with alanine.
Molecular consequence: missense variant.
Genome position (GRCh38, 1-based): chr19:11,577,313, T>G on the plus strand (A>C on the coding strand, the complement: ACP5 is on the minus strand). VCF-style: chr19-11577313-T-G. GRCh37 (hg19) VCF-style: chr19-11688128-T-G.
Other names: c.5A>C, p.Asp2Ala (NM_001111034.3, NM_001111035.3, NM_001111036.3 and 1 more transcripts); short protein forms D2A.
Identifiers: ClinVar variation 2124599 (VCV002124599.1), dbSNP rs1973207902, ClinGen allele CA404149720.

ClinVar aggregate classification (germline): Uncertain significance (1 of 4 stars; one submission).

Conditions:
Spondyloenchondrodysplasia with immune dysregulation (SPENCDI). Also called: SPONDYLOENCHONDRODYSPLASIA WITH OR WITHOUT IMMUNE DYSREGULATION; ROIFMAN IMMUNOSKELETAL SYNDROME; COMBINED IMMUNODEFICIENCY WITH AUTOIMMUNITY AND SPONDYLOMETAPHYSEAL DYSPLASIA. Identifiers: Orphanet 1855, MedGen C1842763, MONDO:0011939, OMIM 607944.

Allele frequency attached by ClinVar (database versions not stated): gnomAD 0.00001.
gnomAD v4.1: 1 of 1,613,640 alleles (0.000062%); highest among the groups gnomAD compares: Admixed American, 0.0017%; no homozygotes.

Submission:

Labcorp Genetics (formerly Invitae), Labcorp
Classification: Uncertain significance for Spondyloenchondrodysplasia with immune dysregulation. Last evaluated: 2022-04-18. Review status: criteria provided, single submitter. Criteria: Invitae Variant Classification Sherloc (09022015). Collection method: clinical testing. Allele origin: germline.
Comment: This sequence change replaces aspartic acid, which is acidic and polar, with alanine, which is neutral and non-polar, at codon 2 of the ACP5 protein (p.Asp2Ala). This variant is not present in population databases (gnomAD no frequency). This variant has not been reported in the literature in individuals affected with ACP5-related conditions. Algorithms developed to predict the effect of missense changes on protein structure and function are either unavailable or do not agree on the potential impact of this missense change (SIFT: "Not Available"; PolyPhen-2: "Benign"; Align-GVGD: "Not Available"). In summary, the available evidence is currently insufficient to determine the role of this variant in disease. Therefore, it has been classified as a Variant of Uncertain Significance.